The following is an entry in ClinVar:

NM_005751.5(AKAP9):c.11364C>T (p.Val3788=)

Gene: AKAP9 (A-kinase anchoring protein 9; plus strand). Cytogenetic location: 7q21.2.
Variant type: single nucleotide variant.
Coding change: c.11364C>T on transcript NM_005751.5 (MANE Select); coding-DNA position 11364, C replaced by T.
Protein change: p.Val3788=; no amino-acid change (valine 3788 retained).
Molecular consequence: synonymous variant.
Genome position (GRCh38, 1-based): chr7:92,105,711, C>T. VCF-style: chr7-92105711-C-T. GRCh37 (hg19) VCF-style: chr7-91735025-C-T.
Other names: c.6009C>T, p.Val2003= (NM_001379277.1); c.11340C>T, p.Val3780= (NM_147185.3).
Identifiers: ClinVar variation 695860 (VCV000695860.14), dbSNP rs142092767, ClinGen allele CA4338180.

ClinVar aggregate classification (germline): Likely benign. Review status: criteria provided, multiple submitters, no conflicts (2 of 4 stars). 3 submissions from 3 submitters: Likely benign (2). 1 of the submissions does not count toward it. Last evaluated 2026-01-27.

Conditions:
Cardiovascular phenotype. Identifiers: MedGen CN230736.
Long QT syndrome (LQTS). Identifiers: MedGen C0023976, MeSH D008133, MONDO:0002442. Disease mechanism: loss of function. Inheritance: Various modes of inheritance.
AKAP9-related disorder. Also called: AKAP9-related condition.

Allele frequency attached by ClinVar (database versions not stated): gnomAD exomes below 0.00001 and 0.00002; ExAC 0.00003; TOPMed 0.00006; ESP Exome Variant Server 0.00008; gnomAD 0.00008 and 0.00009.
gnomAD v4.1: 18 of 1,614,056 alleles (0.0011%); highest among the groups gnomAD compares: African/African-American, 0.024%; no homozygotes.

Submissions (3):

Labcorp Genetics (formerly Invitae), Labcorp
Classification: Likely benign for Long QT syndrome. Last evaluated: 2026-01-27. Review status: criteria provided, single submitter. Criteria: Invitae Variant Classification Sherloc (09022015). Collection method: clinical testing. Allele origin: germline.

Ambry Genetics
Classification: Likely benign for Cardiovascular phenotype. Last evaluated: 2021-04-08. Review status: criteria provided, single submitter. Criteria: Ambry Variant Classification Scheme 2023. Collection method: clinical testing. Allele origin: germline.

PreventionGenetics, part of Exact Sciences
Classification: Likely benign for AKAP9-related condition. Last evaluated: 2022-02-23. Review status: no assertion criteria provided. Collection method: clinical testing. Allele origin: germline. Not counted in ClinVar's aggregate classification.
Comment: This variant is classified as likely benign based on ACMG/AMP sequence variant interpretation guidelines (Richards et al. 2015 PMID: 25741868, with internal and published modifications).